The following is an entry in ClinVar:

NM_007294.4(BRCA1):c.5065dup (p.Met1689fs)

Gene: BRCA1 (BRCA1 DNA repair associated; minus strand). Cytogenetic location: 17q21.31.
Variant type: Duplication.
Coding change: c.5065dup on transcript NM_007294.4 (MANE Select); coding-DNA position 5065, one base duplicated (A; older notation c.5065dupA).
Protein change: p.Met1689fs; shifts the reading frame from methionine 1689.
Molecular consequence: frameshift variant. On other transcripts: non-coding transcript variant (1).
Genome position (GRCh38, 1-based): chr17:43,067,617, T duplicated on the plus strand (A on the coding strand, the reverse complement: BRCA1 is on the minus strand). VCF-style (leftmost placement, unchanged base first): chr17-43067616-A-AT. GRCh37 (hg19) VCF-style: chr17-41219633-A-AT.
Other names: 5184_5185insA; c.4852dup, p.Met1618Asnfs (NM_001407571.1, NM_001407894.1, NM_001407895.1 and 12 more transcripts); c.5131dup, p.Met1711Asnfs (NM_001407581.1, NM_001407582.1); c.5128dup, p.Met1710Asnfs (NM_001407583.1, NM_001407585.1, NM_001407587.1); c.5125dup, p.Met1709Asnfs (NM_001407590.1, NM_001407591.1); c.5065dup, p.Met1689Asnfs (NM_001407593.1, NM_001407594.1, NM_001407596.1 and 8 more transcripts); c.5062dup, p.Met1688Asnfs (NM_001407610.1, NM_001407611.1, NM_001407612.1 and 17 more transcripts); c.5059dup, p.Met1687Asnfs (NM_001407627.1, NM_001407628.1, NM_001407629.1 and 14 more transcripts); and 74 more; short protein forms M585fs, M1689fs, M1642fs, M1710fs.
Identifiers: ClinVar variation 266521 (VCV000266521.7), dbSNP rs886040268, ClinGen allele CA10589622.
Genomic context (GRCh38, chr17:43,067,616, plus strand): 5'-ATGTGGTTTTATGCAGCAGATGCAAGGTATTCTGTAAAGGTTCTTGGTATACCTGTTTTC[A>AT]TAACAACATGAGTAGTCTCTTCAGTAATTAGATTAGTTAAAGTGATGTGGTGTTTTCTGG-3'

ClinVar aggregate classification (germline): Pathogenic. Review status: reviewed by expert panel (3 of 4 stars). 2 submissions from 2 submitters: Pathogenic (1). 1 of the submissions does not count toward it. Last evaluated 2016-10-18.

Conditions:
Breast-ovarian cancer, familial, susceptibility to, 1 (BROVCA1). Also called: BRCA1 Hereditary Breast and Ovarian Cancer; OVARIAN CANCER, SUSCEPTIBILITY TO. Identifiers: Orphanet 145, MedGen C2676676, MONDO:0011450, OMIM 604370. Disease mechanism: loss of function.

Submissions (2):

Evidence-based Network for the Interpretation of Germline Mutant Alleles (ENIGMA)
Classification: Pathogenic for Breast-ovarian cancer, familial, susceptibility to, 1. Last evaluated: 2016-10-18. Review status: reviewed by expert panel. Criteria: ENIGMA BRCA1/2 Classification Criteria (2015). Collection method: curation. Allele origin: germline.
Comment: Variant allele predicted to encode a truncated non-functional protein.

Consortium of Investigators of Modifiers of BRCA1/2 (CIMBA), c/o University of Cambridge
Classification: Pathogenic for Breast-ovarian cancer, familial, susceptibility to, 1. Last evaluated: 2015-10-02. Review status: criteria provided, single submitter. Criteria: CIMBA Mutation Classification guidelines May 2016. Collection method: clinical testing. Allele origin: germline. Not counted in ClinVar's aggregate classification.